The following is an entry in ClinVar:

NM_000540.3(RYR1):c.12070G>A (p.Val4024Met)

Gene: RYR1 (ryanodine receptor 1; plus strand). Cytogenetic location: 19q13.2.
Variant type: single nucleotide variant.
Coding change: c.12070G>A on transcript NM_000540.3 (MANE Select); coding-DNA position 12070, G replaced by A.
Protein change: p.Val4024Met; replaces valine 4024 with methionine.
Molecular consequence: missense variant.
Genome position (GRCh38, 1-based): chr19:38,546,502, G>A. VCF-style: chr19-38546502-G-A. GRCh37 (hg19) VCF-style: chr19-39037142-G-A.
Other names: c.12055G>A, p.Val4019Met (NM_001042723.2); short protein forms V4019M, V4024M.
Identifiers: ClinVar variation 2725821 (VCV002725821.4), dbSNP rs2514591871, ClinGen allele CA405664047.
Genomic context (GRCh38, chr19:38,546,502, plus strand): 5'-TAGGACTCAAGCCAGATCGAGCTGCTGAAGGAGCTGCTGGATCTGCAGAAGGACATGGTG[G>A]TGATGTTGCTGTCGCTACTAGAAGGTAAACACCCAGGAGTGAGGGTGAGGGAACAGTAAA-3'
Protein context (NP_000531.2, residues 4014-4034): ELLDLQKDMV[Val4024Met]MLLSLLEGNV

ClinVar aggregate classification (germline): Uncertain significance. Review status: criteria provided, multiple submitters, no conflicts (2 of 4 stars). 2 submissions from 2 submitters: Uncertain significance (2). Last evaluated 2026-02-23.

Conditions:
RYR1-related disorder. Also called: RYR1-related condition; RYR1-related disorders. Identifiers: MedGen CN239331.
Inborn genetic diseases. Identifiers: MedGen C0950123, MeSH D030342.

Submissions (2):

Ambry Genetics
Classification: Uncertain significance for Inborn genetic diseases. Last evaluated: 2026-02-23. Review status: criteria provided, single submitter. Criteria: Ambry Variant Classification Scheme 2023. Collection method: clinical testing. Allele origin: germline.

Labcorp Genetics (formerly Invitae), Labcorp
Classification: Uncertain significance for RYR1-related disorder. Last evaluated: 2023-11-03. Review status: criteria provided, single submitter. Criteria: Invitae Variant Classification Sherloc (09022015). Collection method: clinical testing. Allele origin: germline.
Comment: This sequence change replaces valine, which is neutral and non-polar, with methionine, which is neutral and non-polar, at codon 4024 of the RYR1 protein (p.Val4024Met). This variant is not present in population databases (gnomAD no frequency). This variant has not been reported in the literature in individuals affected with RYR1-related conditions. Advanced modeling of protein sequence and biophysical properties (such as structural, functional, and spatial information, amino acid conservation, physicochemical variation, residue mobility, and thermodynamic stability) has been performed at Invitae for this missense variant, however the output from this modeling did not meet the statistical confidence thresholds required to predict the impact of this variant on RYR1 protein function. In summary, the available evidence is currently insufficient to determine the role of this variant in disease. Therefore, it has been classified as a Variant of Uncertain Significance.